The following is an entry in ClinVar:

ClinVar aggregate classification (germline): Likely pathogenic (1 of 4 stars; one submission).

Submission:

Labcorp Genetics (formerly Invitae), Labcorp
Classification: Likely pathogenic. Last evaluated: 2025-05-14. Review status: criteria provided, single submitter. Criteria: Invitae Variant Classification Sherloc (09022015). Collection method: clinical testing. Allele origin: germline.
Comment: This sequence change replaces glycine, which is neutral and non-polar, with alanine, which is neutral and non-polar, at codon 1179 of the COL4A5 protein (p.Gly1179Ala). This variant is not present in population databases (gnomAD no frequency). This missense change has been observed in individual(s) with Alport syndrome (internal data). ClinVar contains an entry for this variant (Variation ID: 3636330). Invitae Evidence Modeling of protein sequence and biophysical properties (such as structural, functional, and spatial information, amino acid conservation, physicochemical variation, residue mobility, and thermodynamic stability) indicates that this missense variant is expected to disrupt COL4A5 protein function with a positive predictive value of 95%. This variant disrupts the triple helix domain of COL4A5. Glycine residues within the Gly-Xaa-Yaa repeats of the triple helix domain are required for the structure and stability of fibrillar collagens (PMID: 7695699, 8218237, 19344236). In COL4A5, missense variants at these glycine residues are significantly enriched in individuals with disease (PMID: 23720012, 27627812) compared to the general population (ExAC). This variant disrupts the p.Gly1179 amino acid residue in COL4A5. Other variant(s) that disrupt this residue have been observed in individuals with COL4A5-related conditions (PMID: 15954103), which suggests that this may be a clinically significant amino acid residue. In summary, the currently available evidence indicates that the variant is pathogenic, but additional data are needed to prove that conclusively. Therefore, this variant has been classified as Likely Pathogenic.

Literature cited by the submitters: PubMed 7695699; PubMed 8218237; PubMed 19344236; PubMed 23720012; PubMed 27627812; PubMed 15954103.

NM_033380.3(COL4A5):c.3536G>C (p.Gly1179Ala)

Gene: COL4A5 (collagen type IV alpha 5 chain; plus strand). Cytogenetic location: Xq22.3.
Variant type: single nucleotide variant.
Coding change: c.3536G>C on transcript NM_033380.3 (MANE Select); coding-DNA position 3536, G replaced by C.
Protein change: p.Gly1179Ala; replaces glycine 1179 with alanine.
Molecular consequence: missense variant.
Genome position (GRCh38, 1-based): chrX:108,666,577, G>C. VCF-style: chrX-108666577-G-C. GRCh37 (hg19) VCF-style: chrX-107909807-G-C.
Other names: c.3536G>C, p.Gly1179Ala (NM_000495.5); short protein forms G1179A.
Identifiers: ClinVar variation 3636330 (VCV003636330.2).
Genomic context (GRCh38, chrX:108,666,577, plus strand): 5'-AACCAGGGCCTCCAGGCGAAAAAGGCAAACCCGGTCAAGATGGTATTCCTGGACCAGCTG[G>C]ACAGAAGGGTGAACCAGGTGCTGTAGTTTTTCATTTTTCCTATTTTTCTAATTTTCTCTG-3'
Protein context (NP_203699.1, residues 1169-1189): PGQDGIPGPA[Gly1179Ala]QKGEPGQPGF